The following is an entry in ClinVar:

ClinVar aggregate classification (germline): Likely benign. Review status: criteria provided, multiple submitters, no conflicts (2 of 4 stars). 4 submissions from 4 submitters: Likely benign (4). Last evaluated 2024-01-16.

Conditions:
Dilated cardiomyopathy 1JJ (CMD1JJ). Identifiers: Orphanet 154, MedGen C3808935, MONDO:0014095, OMIM 615235.
Cardiovascular phenotype. Identifiers: MedGen CN230736.

Allele frequency attached by ClinVar (database versions not stated): TOPMed 0.00001; gnomAD 0.00002; gnomAD exomes 0.00002 and 0.00003; ExAC 0.00003.
gnomAD v4.1: 30 of 1,612,336 alleles (0.0019%); highest among the groups gnomAD compares: Non-Finnish European, 0.0024%; no homozygotes.

Submissions (4):

Blueprint Genetics
Classification: Likely benign. Last evaluated: 2024-01-16. Review status: criteria provided, single submitter. Criteria: ACMG Guidelines, 2015. Collection method: clinical testing. Allele origin: germline.

Labcorp Genetics (formerly Invitae), Labcorp
Classification: Likely benign for Dilated cardiomyopathy 1JJ. Last evaluated: 2023-06-06. Review status: criteria provided, single submitter. Criteria: Invitae Variant Classification Sherloc (09022015). Collection method: clinical testing. Allele origin: germline.

Ambry Genetics
Classification: Likely benign for Cardiovascular phenotype. Last evaluated: 2021-11-24. Review status: criteria provided, single submitter. Criteria: Ambry Variant Classification Scheme 2023. Collection method: clinical testing. Allele origin: germline.

Laboratory for Molecular Medicine, Mass General Brigham Personalized Medicine
Classification: Likely benign. Last evaluated: 2015-10-15. Review status: criteria provided, single submitter. Criteria: LMM Criteria. Collection method: clinical testing. Allele origin: germline. Observed: 1 variant allele.
Comment: p.Pro1112Pro in exon 25 of LAMA4: This variant is not expected to have clinical significance because it does not alter an amino acid residue and is not located within the splice consensus sequence. It has been identified in 4/66670 European chromosomes by the Exome Aggregation Consortium (ExAC).

NM_001105206.3(LAMA4):c.3357T>G (p.Pro1119=)

Gene: LAMA4 (laminin subunit alpha 4; minus strand). Cytogenetic location: 6q21.
Variant type: single nucleotide variant.
Coding change: c.3357T>G on transcript NM_001105206.3 (MANE Select); coding-DNA position 3357, T replaced by G.
Protein change: p.Pro1119=; no amino-acid change (proline 1119 retained).
Molecular consequence: synonymous variant.
Genome position (GRCh38, 1-based): chr6:112,136,180, A>C on the plus strand (T>G on the coding strand, the complement: LAMA4 is on the minus strand). VCF-style: chr6-112136180-A-C. GRCh37 (hg19) VCF-style: chr6-112457382-A-C.
Other names: c.3336T>G, p.Pro1112= (NM_001105207.3, NM_002290.5).
Identifiers: ClinVar variation 227475 (VCV000227475.10), dbSNP rs782316528, ClinGen allele CA3965236.